The following is an entry in ClinVar:

ClinVar aggregate classification (germline): Likely benign. Review status: criteria provided, multiple submitters, no conflicts (2 of 4 stars). 3 submissions from 3 submitters: Likely benign (3). Last evaluated 2025-12-29.

Conditions:
Familial cancer of breast. Also called: hereditary breast carcinoma; BREAST CANCER, FAMILIAL; Hereditary breast cancer. Identifiers: Orphanet 227535, MedGen C0346153, MONDO:0016419, OMIM 114480. Disease mechanism: loss of function.

Allele frequency attached by ClinVar (database versions not stated): gnomAD exomes below 0.00001 and 0.00001; ExAC 0.00001; TOPMed 0.00001.
gnomAD v4.1: 4 of 1,613,998 alleles (0.00025%); highest among the groups gnomAD compares: Non-Finnish European, 0.00034%; no homozygotes.

Submissions (3):

Center for Genomic Medicine, Rigshospitalet, Copenhagen University Hospital
Classification: Likely benign. Last evaluated: 2025-12-29. Review status: criteria provided, single submitter. Criteria: ACMG Guidelines, 2015. Collection method: clinical testing. Allele origin: germline.

Labcorp Genetics (formerly Invitae), Labcorp
Classification: Likely benign for Familial cancer of breast. Last evaluated: 2025-11-19. Review status: criteria provided, single submitter. Criteria: Invitae Variant Classification Sherloc (09022015). Collection method: clinical testing. Allele origin: germline.

GeneDx
Classification: Likely benign. Last evaluated: 2017-04-24. Review status: criteria provided, single submitter. Criteria: GeneDx Variant Classification (06012015). Collection method: clinical testing. Allele origin: germline. Affected: yes.
Comment: This variant is considered likely benign or benign based on one or more of the following criteria: it is a conservative change, it occurs at a poorly conserved position in the protein, it is predicted to be benign by multiple in silico algorithms, and/or has population frequency not consistent with disease.

NM_007194.4(CHEK2):c.444+18A>G

Gene: CHEK2 (checkpoint kinase 2; minus strand). Cytogenetic location: 22q12.1.
Variant type: single nucleotide variant.
Coding change: c.444+18A>G on transcript NM_007194.4 (MANE Select); 18 bases into the intron after coding-DNA position 444, A replaced by G.
Molecular consequence: intron variant.
Genome position (GRCh38, 1-based): chr22:28,725,225, T>C on the plus strand (A>G on the coding strand, the complement: CHEK2 is on the minus strand). VCF-style: chr22-28725225-T-C. GRCh37 (hg19) VCF-style: chr22-29121213-T-C.
Other names: c.-220+18A>G (NM_001437942.1); c.444+18A>G (NM_001349956.3, NM_145862.3); c.-334+18A>G (NM_001257387.3); c.537+18A>G (NM_001438295.1, NM_001438293.1); c.573+18A>G (NM_001438294.1, NM_001005735.3).
Identifiers: ClinVar variation 506581 (VCV000506581.10), dbSNP rs753667121, ClinGen allele CA10168003.